The following is an entry in ClinVar:

ClinVar aggregate classification (germline): Uncertain significance (1 of 4 stars; one submission).

Submission:

Labcorp Genetics (formerly Invitae), Labcorp
Classification: Uncertain significance. Last evaluated: 2022-11-08. Review status: criteria provided, single submitter. Criteria: Invitae Variant Classification Sherloc (09022015). Collection method: clinical testing. Allele origin: germline.
Comment: This variant is present in population databases (no rsID available, gnomAD 0.04%). In summary, the available evidence is currently insufficient to determine the role of this variant in disease. Therefore, it has been classified as a Variant of Uncertain Significance. Algorithms developed to predict the effect of missense changes on protein structure and function are either unavailable or do not agree on the potential impact of this missense change (SIFT: "Not Available"; PolyPhen-2: "Benign"; Align-GVGD: "Not Available"). This variant has not been reported in the literature in individuals affected with ADAMTS10-related conditions. This sequence change replaces alanine, which is neutral and non-polar, with asparagine, which is neutral and polar, at codon 411 of the ADAMTS10 protein (p.Ala411Asn).

NM_030957.4(ADAMTS10):c.1231_1232delinsAA (p.Ala411Asn)

Gene: ADAMTS10 (ADAM metallopeptidase with thrombospondin type 1 motif 10; minus strand). Cytogenetic location: 19p13.2.
Variant type: Indel.
Coding change: c.1231_1232delinsAA on transcript NM_030957.4 (MANE Select); coding-DNA positions 1231 to 1232, GC replaced by AA.
Protein change: p.Ala411Asn; replaces alanine 411 with asparagine.
Molecular consequence: missense variant.
Genome position (GRCh38, 1-based): chr19:8,596,178-8,596,179, GC replaced by TT on the plus strand (GC replaced by AA on the coding strand, the reverse complement: ADAMTS10 is on the minus strand). VCF-style: chr19-8596178-GC-TT. GRCh37 (hg19) VCF-style: chr19-8661062-GC-TT.
Other names: short protein forms A411N.
Identifiers: ClinVar variation 1957449 (VCV001957449.5), dbSNP rs2512622242, ClinGen allele CA2580097157.